The following is an entry in ClinVar:

ClinVar aggregate classification (germline): Pathogenic/Likely pathogenic. Review status: criteria provided, multiple submitters, no conflicts (2 of 4 stars). 3 submissions from 3 submitters: Pathogenic (2); Likely pathogenic (1). Last evaluated 2026-06-18.

Conditions:
Wilson disease (WND). Also called: Wilson's disease. Identifiers: Orphanet 905, MedGen C0019202, MONDO:0010200, OMIM 277900. Disease mechanism: loss of function.

Submissions (3):

Myriad Genetics, Inc.
Classification: Pathogenic for Wilson disease. Last evaluated: 2026-06-18. Review status: criteria provided, single submitter. Criteria: Myriad Autosomal Dominant, Autosomal Recessive and X-Linked Classification Criteria (2023). Collection method: clinical testing. Allele origin: unknown.
Comment: NM_000053.3(ATP7B):c.3560_3561delTG(V1187Afs*71) is a frameshift variant classified as pathogenic in the context of Wilson disease. V1187Afs*71 has not been observed in cases with relevant disease. Relevant functional assessments of this variant are not available in the literature. V1187Afs*71 has not been observed in referenced population frequency databases. In summary, NM_000053.3(ATP7B):c.3560_3561delTG(V1187Afs*71) is a frameshift variant in a gene where loss of function is a known mechanism of disease and is predicted to disrupt protein function. Please note: this variant was assessed in the context of healthy population screening.

Fulgent Genetics
Classification: Likely pathogenic for Wilson disease. Last evaluated: 2024-05-11. Review status: criteria provided, single submitter. Criteria: ACMG Guidelines, 2015. Collection method: clinical testing. Allele origin: germline.

Labcorp Genetics (formerly Invitae), Labcorp
Classification: Pathogenic for Wilson disease. Last evaluated: 2021-09-06. Review status: criteria provided, single submitter. Criteria: Invitae Variant Classification Sherloc (09022015). Collection method: clinical testing. Allele origin: germline.
Comment: This sequence change creates a premature translational stop signal (p.Val1187Alafs*71) in the ATP7B gene. It is expected to result in an absent or disrupted protein product. Loss-of-function variants in ATP7B are known to be pathogenic (PMID: 10441329, 16283883). This variant is not present in population databases (ExAC no frequency). This variant has not been reported in the literature in individuals affected with ATP7B-related conditions. For these reasons, this variant has been classified as Pathogenic.

Literature cited by the submitters: PubMed 10441329 (cited by Labcorp Genetics (formerly Invitae), Labcorp); PubMed 16283883 (cited by Labcorp Genetics (formerly Invitae), Labcorp).

NM_000053.4(ATP7B):c.3560_3561del (p.Val1187fs)

Gene: ATP7B (ATPase copper transporting beta; minus strand). Cytogenetic location: 13q14.3.
Variant type: Microsatellite.
Coding change: c.3560_3561del on transcript NM_000053.4 (MANE Select); coding-DNA positions 3560 to 3561, 2 bases deleted (TG; older notation c.3560_3561delTG).
Protein change: p.Val1187fs; shifts the reading frame from valine 1187.
Molecular consequence: frameshift variant.
Genome position (GRCh38, 1-based): chr13:51,939,189-51,939,190, CA deleted on the plus strand (TG on the coding strand, the reverse complement: ATP7B is on the minus strand); deleting any 2 consecutive bases within chr13:51,939,189-51,939,193 gives the same sequence; the c. name uses the placement nearest the transcript's 3' end. VCF-style (leftmost placement, unchanged base first): chr13-51939188-GCA-G. GRCh37 (hg19) VCF-style: chr13-52513324-GCA-G.
Other names: c.2939_2940del, p.Val980fs (NM_001005918.3); c.3227_3228del, p.Val1076fs (NM_001243182.2); c.3326_3327del, p.Val1109fs (NM_001330578.2); c.3308_3309del, p.Val1103fs (NM_001330579.2); short protein forms V1109fs, V980fs, V1076fs, V1187fs, V1103fs.
Identifiers: ClinVar variation 1379290 (VCV001379290.8), dbSNP rs2138673853, ClinGen allele CA2580614739.